The following is an entry in ClinVar:

NM_001271.4(CHD2):c.382-19C>T

Gene: CHD2 (chromodomain helicase DNA binding protein 2; plus strand). Cytogenetic location: 15q26.1.
Variant type: single nucleotide variant.
Coding change: c.382-19C>T on transcript NM_001271.4 (MANE Select); 19 bases into the intron before coding-DNA position 382, C replaced by T.
Molecular consequence: intron variant.
Genome position (GRCh38, 1-based): chr15:92,929,011, C>T. VCF-style: chr15-92929011-C-T. GRCh37 (hg19) VCF-style: chr15-93472241-C-T.
Other names: c.382-19C>T (NM_001042572.3).
Identifiers: ClinVar variation 3902701 (VCV003902701.1).
Genomic context (GRCh38, chr15:92,929,011, plus strand): 5'-GTTGATCCAGGAGATAGTGTTGTCCCGAAGAACTGTGAATTAAAGTCTGTAATCATTTTT[C>T]CCCCCTCACACACTGAAGGCAAGTAGCGGGTCTGAGAGTGGGAGCCCAAAAAGAAGAGGC-3'

ClinVar aggregate classification (germline): Likely benign (1 of 4 stars; one submission).

gnomAD v4.1: 21 of 1,606,634 alleles (0.0013%); highest among the groups gnomAD compares: Admixed American, 0.0017%; no homozygotes.

Submission:

Women's Health and Genetics/Laboratory Corporation of America, LabCorp
Classification: Likely benign. Last evaluated: 2025-05-27. Review status: criteria provided, single submitter. Criteria: LabCorp Variant Classification Summary - May 2015. Collection method: clinical testing. Allele origin: germline.
Comment: Variant summary: CHD2 c.382-19C>T alters a nucleotide located at a position not widely known to affect splicing. Consensus agreement among computation tools predict no significant impact on normal splicing. However, these predictions have yet to be confirmed by functional studies. The variant allele was found at a frequency of 1.6e-05 in 243360 control chromosomes. The available data on variant occurrences in the general population are insufficient to allow any conclusion about variant significance. To our knowledge, no occurrence of c.382-19C>T in individuals affected with Developmental And Epileptic Encephalopathy 94 and no experimental evidence demonstrating its impact on protein function have been reported. No submitters have cited clinical-significance assessments for this variant to ClinVar. Based on the evidence outlined above, the variant was classified as likely benign.